The following is an entry in ClinVar:

NM_025015.3(HSPA12A):c.1611C>T (p.Tyr537=)

Gene: HSPA12A (heat shock protein family A (Hsp70) member 12A; minus strand). Cytogenetic location: 10q25.3.
Variant type: single nucleotide variant.
Coding change: c.1611C>T on transcript NM_025015.3 (MANE Select); coding-DNA position 1611, C replaced by T.
Protein change: p.Tyr537=; no amino-acid change (tyrosine 537 retained).
Molecular consequence: synonymous variant.
Genome position (GRCh38, 1-based): chr10:116,675,198, G>A on the plus strand (C>T on the coding strand, the complement: HSPA12A is on the minus strand). VCF-style: chr10-116675198-G-A. GRCh37 (hg19) VCF-style: chr10-118434709-G-A.
Other names: c.1662C>T, p.Tyr554= (NM_001330164.2).
Identifiers: ClinVar variation 4681283 (VCV004681283.5).

ClinVar aggregate classification (germline): Likely benign (1 of 4 stars; one submission).

gnomAD v4.1: 3,165 of 1,613,748 alleles (0.2%); highest among the groups gnomAD compares: Middle Eastern, 0.35%; 9 homozygotes.

Submission:

CeGaT Center for Human Genetics Tuebingen
Classification: Likely benign. Last evaluated: 2025-12-01. Review status: criteria provided, single submitter. Criteria: CeGaT Center For Human Genetics Tuebingen Variant Classification Criteria Version 2. Collection method: clinical testing. Allele origin: germline. Affected: yes. Observed: 1 variant allele.
Comment: HSPA12A: BP4, BP7